The following is an entry in ClinVar:

ClinVar aggregate classification (germline): Uncertain significance. Review status: criteria provided, multiple submitters, no conflicts (2 of 4 stars). 2 submissions from 2 submitters: Uncertain significance (2). Last evaluated 2026-02-27.

Conditions:
Hereditary cancer-predisposing syndrome. Also called: Hereditary Cancer Syndrome; Neoplastic Syndromes, Hereditary; Tumor predisposition; Hereditary neoplastic syndrome. Identifiers: Orphanet 140162, MedGen C0027672, MeSH D009386, MONDO:0015356.
Familial cancer of breast. Also called: BREAST CANCER, FAMILIAL; hereditary breast carcinoma; Hereditary breast cancer. Identifiers: Orphanet 227535, MedGen C0346153, MONDO:0016419, OMIM 114480. Disease mechanism: loss of function.

Submissions (2):

Ambry Genetics
Classification: Uncertain significance for Hereditary cancer-predisposing syndrome. Last evaluated: 2026-02-27. Review status: criteria provided, single submitter. Criteria: Ambry Variant Classification Scheme 2023. Collection method: clinical testing. Allele origin: germline.
Comment: The p.D259V variant (also known as c.776A>T), located in coding exon 4 of the BARD1 gene, results from an A to T substitution at nucleotide position 776. The aspartic acid at codon 259 is replaced by valine, an amino acid with highly dissimilar properties. This amino acid position is well conserved in available vertebrate species. In addition, this alteration is predicted to be deleterious by in silico analysis. Based on the available evidence, the clinical significance of this variant remains unclear.

Labcorp Genetics (formerly Invitae), Labcorp
Classification: Uncertain significance for Familial cancer of breast. Last evaluated: 2023-08-14. Review status: criteria provided, single submitter. Criteria: Invitae Variant Classification Sherloc (09022015). Collection method: clinical testing. Allele origin: germline.
Comment: ClinVar contains an entry for this variant (Variation ID: 1008615). An algorithm developed to predict the effect of missense changes on protein structure and function (PolyPhen-2) suggests that this variant is likely to be disruptive. In summary, the available evidence is currently insufficient to determine the role of this variant in disease. Therefore, it has been classified as a Variant of Uncertain Significance. This variant has not been reported in the literature in individuals affected with BARD1-related conditions. This sequence change replaces aspartic acid, which is acidic and polar, with valine, which is neutral and non-polar, at codon 259 of the BARD1 protein (p.Asp259Val). This variant is not present in population databases (gnomAD no frequency).

NM_000465.4(BARD1):c.776A>T (p.Asp259Val)

Gene: BARD1 (BRCA1 associated RING domain 1; minus strand). Cytogenetic location: 2q35.
Variant type: single nucleotide variant.
Coding change: c.776A>T on transcript NM_000465.4 (MANE Select); coding-DNA position 776, A replaced by T.
Protein change: p.Asp259Val; replaces aspartic acid 259 with valine.
Molecular consequence: missense variant. On other transcripts: non-coding transcript variant (2), intron variant (3).
Genome position (GRCh38, 1-based): chr2:214,781,098, T>A on the plus strand (A>T on the coding strand, the complement: BARD1 is on the minus strand). VCF-style: chr2-214781098-T-A. GRCh37 (hg19) VCF-style: chr2-215645822-T-A.
Other names: c.719A>T, p.Asp240Val (NM_001282543.2); c.158+28314A>T (NM_001282548.2); c.215+15963A>T (NM_001282545.2); c.364+11199A>T (NM_001282549.2); c.776A>T (NM_000465.2); short protein forms D240V, D259V.
Identifiers: ClinVar variation 1008615 (VCV001008615.10), dbSNP rs587780036, ClinGen allele CA350455866.